The following is an entry in ClinVar:

ClinVar aggregate classification (germline): Pathogenic (1 of 4 stars; one submission).

Conditions:
Hypoplastic enamel-onycholysis-hypohidrosis syndrome (TNS). Also called: WITKOP SYNDROME; ECTODERMAL DYSPLASIA 3, TOOTH/NAIL TYPE; Tooth-and-Nail Syndrome; NAIL DYSPLASIA WITH HYPODONTIA; ECTODERMAL DYSPLASIA 3, WITKOP TYPE. Identifiers: Orphanet 2228, MedGen C0406735, MONDO:0008582, OMIM 189500.

Submission:

Labcorp Genetics (formerly Invitae), Labcorp
Classification: Pathogenic for Hypoplastic enamel-onycholysis-hypohidrosis syndrome. Last evaluated: 2022-06-26. Review status: criteria provided, single submitter. Criteria: Invitae Variant Classification Sherloc (09022015). Collection method: clinical testing. Allele origin: germline.
Comment: This sequence change creates a premature translational stop signal (p.Ala163Glyfs*12) in the MSX1 gene. While this is not anticipated to result in nonsense mediated decay, it is expected to disrupt the last 141 amino acid(s) of the MSX1 protein. This variant is not present in population databases (gnomAD no frequency). This premature translational stop signal has been observed in individual(s) with oligodontia (Invitae). This variant disrupts a region of the MSX1 protein in which other variant(s) (p.Glu204*) have been determined to be pathogenic (PMID: 30192788; Invitae). This suggests that this is a clinically significant region of the protein, and that variants that disrupt it are likely to be disease-causing. For these reasons, this variant has been classified as Pathogenic.

Literature cited by the submitters: PubMed 30192788.

NM_002448.3(MSX1):c.487dup (p.Ala163fs)

Gene: MSX1 (msh homeobox 1; plus strand). Cytogenetic location: 4p16.2.
Variant type: Duplication.
Coding change: c.487dup on transcript NM_002448.3 (MANE Select); coding-DNA position 487, one base duplicated (G; older notation c.487dupG).
Protein change: p.Ala163fs; shifts the reading frame from alanine 163.
Molecular consequence: frameshift variant.
Genome position (GRCh38, 1-based): chr4:4,862,718, G duplicated. VCF-style (leftmost placement, unchanged base first): chr4-4862717-A-AG. GRCh37 (hg19) VCF-style: chr4-4864444-A-AG.
Other names: short protein forms A163fs.
Identifiers: ClinVar variation 2010901 (VCV002010901.4), dbSNP rs2474113860, ClinGen allele CA2580070729.
Genomic context (GRCh38, chr4:4,862,717, plus strand): 5'-GCTTCTCTCTTAACCCCTTGCTTTTTTTTTCTTTCGGCCCTCAGGGCGGCTGAGCCCCCC[A>AG]GCCTGCACCCTCCGCAAACACAAGACGAACCGTAAGCCGCGGACGCCCTTCACCACCGCG-3'